The following is an entry in ClinVar:

NM_007194.4(CHEK2):c.684-6C>T

Gene: CHEK2 (checkpoint kinase 2; minus strand). Cytogenetic location: 22q12.1.
Variant type: single nucleotide variant.
Coding change: c.684-6C>T on transcript NM_007194.4 (MANE Select); 6 bases into the intron before coding-DNA position 684, C replaced by T.
Molecular consequence: intron variant.
Genome position (GRCh38, 1-based): chr22:28,712,023, G>A on the plus strand (C>T on the coding strand, the complement: CHEK2 is on the minus strand). VCF-style: chr22-28712023-G-A. GRCh37 (hg19) VCF-style: chr22-29108011-G-A.
Other names: c.21-6C>T (NM_001437942.1, NM_001257387.3); c.483-6C>T (NM_001349956.3); c.684-6C>T (NM_145862.3); c.777-6C>T (NM_001438295.1, NM_001438293.1); c.813-6C>T (NM_001438294.1, NM_001005735.3).
Identifiers: ClinVar variation 415925 (VCV000415925.13), dbSNP rs776400765, ClinGen allele CA10167904.

ClinVar aggregate classification (germline): Likely benign. Review status: criteria provided, multiple submitters, no conflicts (2 of 4 stars). 4 submissions from 4 submitters: Likely benign (4). Last evaluated 2025-07-21.

Conditions:
Hereditary cancer-predisposing syndrome. Also called: Tumor predisposition; Neoplastic Syndromes, Hereditary; Hereditary neoplastic syndrome; Hereditary Cancer Syndrome. Identifiers: Orphanet 140162, MedGen C0027672, MeSH D009386, MONDO:0015356.
Familial cancer of breast. Also called: Hereditary breast cancer; BREAST CANCER, FAMILIAL; hereditary breast carcinoma. Identifiers: Orphanet 227535, MedGen C0346153, MONDO:0016419, OMIM 114480. Disease mechanism: loss of function.

Allele frequency attached by ClinVar (database versions not stated): gnomAD exomes below 0.00001; ExAC 0.00001; TOPMed 0.00001; gnomAD 0.00002.
gnomAD v4.1: 4 of 1,599,544 alleles (0.00025%); highest among the groups gnomAD compares: African/African-American, 0.004%; no homozygotes.

Submissions (4):

Labcorp Genetics (formerly Invitae), Labcorp
Classification: Likely benign for Familial cancer of breast. Last evaluated: 2025-07-21. Review status: criteria provided, single submitter. Criteria: Invitae Variant Classification Sherloc (09022015). Collection method: clinical testing. Allele origin: germline.

Myriad Genetics, Inc.
Classification: Likely benign for Familial cancer of breast. Last evaluated: 2024-10-03. Review status: criteria provided, single submitter. Criteria: Myriad Autosomal Dominant, Autosomal Recessive and X-Linked Classification Criteria (2023). Collection method: clinical testing. Allele origin: unknown.
Comment: This variant is considered likely benign. This variant is intronic and is not expected to impact mRNA splicing.

Color Diagnostics, LLC DBA Color Health
Classification: Likely benign for Hereditary cancer-predisposing syndrome. Last evaluated: 2022-02-14. Review status: criteria provided, single submitter. Criteria: ACMG Guidelines, 2015. Collection method: clinical testing. Allele origin: germline.

GeneDx
Classification: Likely benign. Last evaluated: 2017-07-25. Review status: criteria provided, single submitter. Criteria: GeneDx Variant Classification (06012015). Collection method: clinical testing. Allele origin: germline. Affected: yes.
Comment: This variant is considered likely benign or benign based on one or more of the following criteria: it is a conservative change, it occurs at a poorly conserved position in the protein, it is predicted to be benign by multiple in silico algorithms, and/or has population frequency not consistent with disease.